The following is an entry in ClinVar:

NM_032608.7(MYO18B):c.7345C>T (p.Arg2449Trp)

Gene: MYO18B (myosin XVIIIB; plus strand). Cytogenetic location: 22q12.1.
Variant type: single nucleotide variant.
Coding change: c.7345C>T on transcript NM_032608.7 (MANE Select); coding-DNA position 7345, C replaced by T.
Protein change: p.Arg2449Trp; replaces arginine 2449 with tryptophan.
Molecular consequence: missense variant.
Genome position (GRCh38, 1-based): chr22:26,027,319, C>T. VCF-style: chr22-26027319-C-T. GRCh37 (hg19) VCF-style: chr22-26423285-C-T.
Other names: c.7348C>T, p.Arg2450Trp (NM_001318245.2); short protein forms R2449W, R2450W.
Identifiers: ClinVar variation 587478 (VCV000587478.37), dbSNP rs149103381, ClinGen allele CA10161753.

ClinVar aggregate classification (germline): Conflicting classifications of pathogenicity. Review status: criteria provided, conflicting classifications (1 of 4 stars). 3 submissions from 3 submitters: Uncertain significance (1); Likely benign (2). Last evaluated 2026-08-01.

Conditions:
Klippel-Feil anomaly-myopathy-facial dysmorphism syndrome. Also called: Klippel-feil syndrome 4, autosomal recessive, with nemaline myopathy and facial dysmorphism; Klippel-Feil syndrome 4, autosomal recessive, with myopathy and facial dysmorphism. Identifiers: Orphanet 447974, MedGen C4225285, MONDO:0014689, OMIM 616549.

Allele frequency attached by ClinVar (database versions not stated): 1000 Genomes Project 30x 0.00219; 1000 Genomes Project 0.00220; ESP Exome Variant Server 0.00422; TOPMed 0.00436; gnomAD 0.00445 and 0.00446; gnomAD exomes 0.00459 and 0.00575; ExAC 0.00485.
gnomAD v4.1: 9,051 of 1,613,998 alleles (0.56%); highest among the groups gnomAD compares: Non-Finnish European, 0.66%; 36 homozygotes.

Submissions (3):

CeGaT Center for Human Genetics Tuebingen
Classification: Likely benign. Last evaluated: 2026-08-01. Review status: criteria provided, single submitter. Criteria: CeGaT Center For Human Genetics Tuebingen Variant Classification Criteria Version 2. Collection method: clinical testing. Allele origin: germline. Affected: yes. Observed: 8 variant alleles.
Comment: MYO18B: BS2

Labcorp Genetics (formerly Invitae), Labcorp
Classification: Likely benign. Last evaluated: 2026-02-01. Review status: criteria provided, single submitter. Criteria: Invitae Variant Classification Sherloc (09022015). Collection method: clinical testing. Allele origin: germline.

Genomic Research Center, Shahid Beheshti University of Medical Sciences
Classification: Uncertain significance for Klippel-feil syndrome 4, autosomal recessive, with nemaline myopathy and facial dysmorphism. Last evaluated: 2018-08-07. Review status: criteria provided, single submitter. Criteria: ACMG Guidelines, 2015. Collection method: clinical testing. Allele origin: inherited. Affected: no. Observed: 1 variant allele.